The following is an entry in ClinVar:

NM_000742.4(CHRNA2):c.121C>T (p.Leu41Phe)

Gene: CHRNA2 (cholinergic receptor nicotinic alpha 2 subunit; minus strand). Cytogenetic location: 8p21.2.
Variant type: single nucleotide variant.
Coding change: c.121C>T on transcript NM_000742.4 (MANE Select); coding-DNA position 121, C replaced by T.
Protein change: p.Leu41Phe; replaces leucine 41 with phenylalanine.
Molecular consequence: missense variant. On other transcripts: 5 prime UTR variant (4).
Genome position (GRCh38, 1-based): chr8:27,469,934, G>A on the plus strand (C>T on the coding strand, the complement: CHRNA2 is on the minus strand). VCF-style: chr8-27469934-G-A. GRCh37 (hg19) VCF-style: chr8-27327451-G-A.
Other names: p.L41F:CTC>TTC; c.121C>T, p.Leu41Phe (NM_001282455.2); c.-307C>T (NM_001347705.2); c.-352C>T (NM_001347706.2); c.-293C>T (NM_001347707.2); c.-341C>T (NM_001347708.2); short protein forms L41F.
Identifiers: ClinVar variation 204978 (VCV000204978.13), dbSNP rs796052307, ClinGen allele CA313478.

ClinVar aggregate classification (germline): Conflicting classifications of pathogenicity. Review status: criteria provided, conflicting classifications (1 of 4 stars). 3 submissions from 3 submitters: Uncertain significance (1); Likely benign (1). 1 of the submissions does not count toward it. Last evaluated 2026-01-26.

Conditions:
Familial sleep-related hypermotor epilepsy. Also called: Autosomal Dominant Sleep-Related Hypermotor (Hyperkinetic) Epilepsy. Identifiers: Orphanet 98784, MedGen C3696898, MONDO:0000030.
CHRNA2-related disorder. Also called: CHRNA2-related condition.

Allele frequency attached by ClinVar (database versions not stated): gnomAD 0.00003; gnomAD exomes below 0.00001; TOPMed below 0.00001.
gnomAD v4.1: 5 of 1,614,110 alleles (0.00031%); highest among the groups gnomAD compares: Admixed American, 0.0017%; no homozygotes.

Submissions (3):

Labcorp Genetics (formerly Invitae), Labcorp
Classification: Likely benign. Last evaluated: 2026-01-26. Review status: criteria provided, single submitter. Criteria: Invitae Variant Classification Sherloc (09022015). Collection method: clinical testing. Allele origin: germline.

GeneDx
Classification: Uncertain significance. Last evaluated: 2023-05-23. Review status: criteria provided, single submitter. Criteria: GeneDx Variant Classification Process June 2021. Collection method: clinical testing. Allele origin: germline. Affected: yes.
Comment: In silico analysis supports that this missense variant has a deleterious effect on protein structure/function; Has not been previously published as pathogenic or benign to our knowledge

PreventionGenetics, part of Exact Sciences
Classification: Likely benign for CHRNA2-related condition. Last evaluated: 2023-11-08. Review status: no assertion criteria provided. Collection method: clinical testing. Allele origin: germline. Not counted in ClinVar's aggregate classification.
Comment: This variant is classified as likely benign based on ACMG/AMP sequence variant interpretation guidelines (Richards et al. 2015 PMID: 25741868, with internal and published modifications).